The following is an entry in ClinVar:

ClinVar aggregate classification (germline): Conflicting classifications of pathogenicity. Review status: criteria provided, conflicting classifications (1 of 4 stars). 7 submissions from 7 submitters: Uncertain significance (1); Likely benign (3). 3 of the submissions do not count toward it. Last evaluated 2026-02-01.

Conditions:
Chronic kidney disease. Identifiers: MedGen C1561643, MONDO:0005300, HP:0012622.

Allele frequency attached by ClinVar (database versions not stated): 1000 Genomes Project 30x 0.00094; 1000 Genomes Project 0.00120; ExAC 0.00230; gnomAD exomes 0.00243 and 0.00416; gnomAD 0.00263 and 0.00270; TOPMed 0.00272; ESP Exome Variant Server 0.00354.
gnomAD v4.1: 6,403 of 1,613,998 alleles (0.4%); highest among the groups gnomAD compares: Non-Finnish European, 0.5%; 17 homozygotes.

Submissions (7):

Labcorp Genetics (formerly Invitae), Labcorp
Classification: Likely benign. Last evaluated: 2026-02-01. Review status: criteria provided, single submitter. Criteria: Invitae Variant Classification Sherloc (09022015). Collection method: clinical testing. Allele origin: germline.

Blueprint Genetics
Classification: Likely benign. Last evaluated: 2024-11-20. Review status: criteria provided, single submitter. Criteria: ACMG Guidelines, 2015. Collection method: clinical testing. Allele origin: germline.

CeGaT Center for Human Genetics Tuebingen
Classification: Likely benign. Last evaluated: 2023-08-01. Review status: criteria provided, single submitter. Criteria: CeGaT Center For Human Genetics Tuebingen Variant Classification Criteria Version 2. Collection method: clinical testing. Allele origin: germline. Affected: yes. Observed: 2 variant alleles.
Comment: FN1: BS2

Cavalleri Lab, Royal College of Surgeons in Ireland
Classification: Uncertain significance for Chronic kidney disease. Last evaluated: 2020-05-28. Review status: criteria provided, single submitter. Criteria: ACMG Guidelines, 2015. Collection method: research. Allele origin: unknown. Inheritance: Autosomal dominant inheritance. Affected: yes.
Comment: PP2, PP3, BS1

Clinical Genetics DNA and cytogenetics Diagnostics Lab, Erasmus MC, Erasmus Medical Center
Classification: Likely benign. Review status: no assertion criteria provided. Collection method: clinical testing. Allele origin: germline. Affected: yes. Study: VKGL Data-share Consensus. Not counted in ClinVar's aggregate classification.

Diagnostic Laboratory, Department of Genetics, University Medical Center Groningen
Classification: Likely benign. Review status: no assertion criteria provided. Collection method: clinical testing. Allele origin: germline. Affected: yes. Study: VKGL Data-share Consensus. Not counted in ClinVar's aggregate classification.

Genome Diagnostics Laboratory, University Medical Center Utrecht
Classification: Likely benign. Review status: no assertion criteria provided. Collection method: clinical testing. Allele origin: germline. Affected: yes. Study: VKGL Data-share Consensus. Not counted in ClinVar's aggregate classification.

NM_212482.4(FN1):c.1070G>A (p.Gly357Glu)

Genes: FN1 (fibronectin 1; minus strand), LOC126806498 (CDK7 strongly-dependent group 2 enhancer GRCh37_chr2:216288045-216289244; plus strand). Cytogenetic location: 2q35.
Variant type: single nucleotide variant.
Coding change: c.1070G>A on transcript NM_212482.4 (MANE Select); coding-DNA position 1070, G replaced by A.
Protein change: p.Gly357Glu; replaces glycine 357 with glutamic acid.
Molecular consequence: missense variant.
Genome position (GRCh38, 1-based): chr2:215,424,292, C>T on the plus strand (G>A on the coding strand, the complement: FN1 is on the minus strand). VCF-style: chr2-215424292-C-T. GRCh37 (hg19) VCF-style: chr2-216289015-C-T.
Other names: c.1070G>A, p.Gly357Glu (NM_001306129.2, NM_001306130.2, NM_001306131.2 and 14 more transcripts); short protein forms G357E.
Identifiers: ClinVar variation 791471 (VCV000791471.46), dbSNP rs140926439, ClinGen allele CA2095378.